The following is an entry in ClinVar:

ClinVar aggregate classification (germline): Uncertain significance (1 of 4 stars; one submission).

Conditions:
Inborn genetic diseases. Identifiers: MedGen C0950123, MeSH D030342.

Allele frequency attached by ClinVar (database versions not stated): gnomAD 0.00001; gnomAD exomes 0.00001; TOPMed 0.00001; ExAC 0.00002.
gnomAD v4.1: 21 of 1,614,122 alleles (0.0013%); highest among the groups gnomAD compares: African/African-American, 0.0027%; no homozygotes.

Submission:

Ambry Genetics
Classification: Uncertain significance for Inborn genetic diseases. Last evaluated: 2020-09-16. Review status: criteria provided, single submitter. Criteria: Ambry Variant Classification Scheme 2023. Collection method: clinical testing. Allele origin: germline.
Comment: The p.R99Q variant (also known as c.296G>A), located in coding exon 2 of the BICD2 gene, results from a G to A substitution at nucleotide position 296. The arginine at codon 99 is replaced by glutamine, an amino acid with highly similar properties. This amino acid position is highly conserved in available vertebrate species. In addition, the in silico prediction for this alteration is inconclusive. Since supporting evidence is limited at this time, the clinical significance of this alteration remains unclear.

NM_001003800.2(BICD2):c.296G>A (p.Arg99Gln)

Gene: BICD2 (BICD cargo adaptor 2; minus strand). Cytogenetic location: 9q22.31.
Variant type: single nucleotide variant.
Coding change: c.296G>A on transcript NM_001003800.2 (MANE Select); coding-DNA position 296, G replaced by A.
Protein change: p.Arg99Gln; replaces arginine 99 with glutamine.
Molecular consequence: missense variant.
Genome position (GRCh38, 1-based): chr9:92,729,181, C>T on the plus strand (G>A on the coding strand, the complement: BICD2 is on the minus strand). VCF-style: chr9-92729181-C-T. GRCh37 (hg19) VCF-style: chr9-95491463-C-T.
Other names: c.296G>A, p.Arg99Gln (NM_015250.4); short protein forms R99Q.
Identifiers: ClinVar variation 1798266 (VCV001798266.2), dbSNP rs780380243, ClinGen allele CA5126846.